The following is an entry in ClinVar:

NM_007294.4(BRCA1):c.4253T>G (p.Leu1418Ter)

Gene: BRCA1 (BRCA1 DNA repair associated; minus strand). Cytogenetic location: 17q21.31.
Variant type: single nucleotide variant.
Coding change: c.4253T>G on transcript NM_007294.4 (MANE Select); coding-DNA position 4253, T replaced by G.
Protein change: p.Leu1418Ter; replaces leucine 1418 with a stop codon.
Molecular consequence: nonsense. On other transcripts: non-coding transcript variant (1).
Genome position (GRCh38, 1-based): chr17:43,082,508, A>C on the plus strand (T>G on the coding strand, the complement: BRCA1 is on the minus strand). VCF-style: chr17-43082508-A-C. GRCh37 (hg19) VCF-style: chr17-41234525-A-C.
Other names: c.4043T>G, p.Leu1348Ter (NM_001407884.1, NM_001407885.1, NM_001407886.1 and 9 more transcripts); c.4040T>G, p.Leu1347Ter (NM_001407894.1, NM_001407895.1, NM_001407896.1 and 12 more transcripts); c.3917T>G, p.Leu1306Ter (NM_001407953.1, NM_001407954.1, NM_001407955.1 and 3 more transcripts); c.3914T>G, p.Leu1305Ter (NM_001407956.1); c.3872T>G, p.Leu1291Ter (NM_001407959.1, NM_001407960.1); c.3869T>G, p.Leu1290Ter (NM_001407962.1, NM_001407963.1); c.944T>G, p.Leu315Ter (NM_001407973.1, NM_001407974.1, NM_001407975.1 and 9 more transcripts); c.941T>G, p.Leu314Ter (NM_001407979.1, NM_001407980.1, NM_001407981.1 and 18 more transcripts); and 51 more; short protein forms L1418*, L315*, L1371*, L1291*, L1330*, L1369*, L1392*, L1417*.
Identifiers: ClinVar variation 55153 (VCV000055153.3), dbSNP rs397509157, ClinGen allele CA002733.

ClinVar aggregate classification (germline): Pathogenic. Review status: reviewed by expert panel (3 of 4 stars). 2 submissions from 2 submitters: Pathogenic (1). 1 of the submissions does not count toward it. Last evaluated 2017-12-15.

Conditions:
Breast-ovarian cancer, familial, susceptibility to, 1 (BROVCA1). Also called: BRCA1 Hereditary Breast and Ovarian Cancer; OVARIAN CANCER, SUSCEPTIBILITY TO. Identifiers: Orphanet 145, MedGen C2676676, MONDO:0011450, OMIM 604370. Disease mechanism: loss of function.
Familial cancer of breast. Also called: hereditary breast carcinoma; BREAST CANCER, FAMILIAL; Hereditary breast cancer. Identifiers: Orphanet 227535, MedGen C0346153, MONDO:0016419, OMIM 114480. Disease mechanism: loss of function.

Submissions (2):

Evidence-based Network for the Interpretation of Germline Mutant Alleles (ENIGMA)
Classification: Pathogenic for Breast-ovarian cancer, familial, susceptibility to, 1. Last evaluated: 2017-12-15. Review status: reviewed by expert panel. Criteria: ENIGMA BRCA1/2 Classification Criteria (2017-06-29). Collection method: curation. Allele origin: germline. Study: ENIGMA.
Comment: Variant allele predicted to encode a truncated non-functional protein.

ClinVar Staff, National Center for Biotechnology Information (NCBI)
No classification provided. Condition: Familial cancer of breast. Review status: no classification provided. Collection method: literature only. Allele origin: germline. Affected: yes. Not counted in ClinVar's aggregate classification.

Literature cited by the submitters: PubMed 21918854 (cited by ClinVar Staff, National Center for Biotechnology Information (NCBI)).